The following is an entry in ClinVar:

ClinVar aggregate classification (germline): Pathogenic (1 of 4 stars; one submission).

Conditions:
Hereditary cancer-predisposing syndrome. Also called: Neoplastic Syndromes, Hereditary; Tumor predisposition; Hereditary Cancer Syndrome; Hereditary neoplastic syndrome. Identifiers: Orphanet 140162, MedGen C0027672, MeSH D009386, MONDO:0015356.

Submission:

Ambry Genetics
Classification: Pathogenic for Hereditary cancer-predisposing syndrome. Last evaluated: 2025-12-23. Review status: criteria provided, single submitter. Criteria: Ambry Variant Classification Scheme 2023. Collection method: clinical testing. Allele origin: germline.
Comment: The c.277dupC pathogenic mutation, located in coding exon 2 of the TMEM127 gene, results from a duplication of C at nucleotide position 277, causing a translational frameshift with a predicted alternate stop codon (p.L93Pfs*15). This variant is considered to be rare based on population cohorts in the Genome Aggregation Database (gnomAD). This alteration is expected to result in loss of function by premature protein truncation or nonsense-mediated mRNA decay. As such, this alteration is interpreted as a disease-causing mutation.

NM_017849.4(TMEM127):c.277dup (p.Leu93fs)

Gene: TMEM127 (transmembrane protein 127; minus strand). Cytogenetic location: 2q11.2.
Variant type: Duplication.
Coding change: c.277dup on transcript NM_017849.4 (MANE Select); coding-DNA position 277, one base duplicated (C; older notation c.277dupC).
Protein change: p.Leu93fs; shifts the reading frame from leucine 93.
Molecular consequence: frameshift variant.
Genome position (GRCh38, 1-based): chr2:96,254,965, G duplicated on the plus strand (C on the coding strand, the reverse complement: TMEM127 is on the minus strand); the first of 2 consecutive G bases (chr2:96,254,965-96,254,966); duplicating either gives the same sequence. VCF-style (leftmost placement, unchanged base first): chr2-96254964-A-AG. GRCh37 (hg19) VCF-style: chr2-96920702-A-AG.
Other names: c.277dupC (NM_017849.3); c.277dup, p.Leu93fs (NM_001193304.3); c.25dup, p.Leu9fs (NM_001407282.1, NM_001407283.1); short protein forms L93fs, L9fs.
Identifiers: ClinVar variation 4843984 (VCV004843984.1).